The following is an entry in ClinVar:

ClinVar aggregate classification (germline): Pathogenic (1 of 4 stars; one submission).

Conditions:
Autosomal recessive nonsyndromic hearing loss 3. Also called: NEUROSENSORY NONSYNDROMIC RECESSIVE DEAFNESS 3. Identifiers: Orphanet 90636, MedGen C1838263, MONDO:0010860, OMIM 600316.

gnomAD v4.1: 5 of 1,613,702 alleles (0.00031%); highest among the groups gnomAD compares: African/African-American, 0.0053%; no homozygotes.

Submission:

ENT and Head and Neck Research Center and Department,  The Five Senses Health Institute, Iran University of Medical Sciences
Classification: Pathogenic for Autosomal recessive nonsyndromic hearing loss 3. Last evaluated: 2024-11-02. Review status: criteria provided, single submitter. Criteria: ClinGen HL ACMG Specifications v1. Collection method: clinical testing. Allele origin: germline. Affected: yes.
Comment: PVS1: Null variant (intronic within ±2 of splice site) in gene MYO15A. Loss-of-function is a known mechanism of disease (gene has 448 reported pathogenic LOF variants)., PM2:GnomAD genomes homozygous allele count = 0 is less than 2 for AR gene MYO15A, PM3- For recessive disorders, identifying a variant in trans

Literature cited by the submitters: DOI 10.1038/s41598-025-99417-7.

NM_016239.4(MYO15A):c.5134-2A>G

Gene: MYO15A (myosin XVA; plus strand). Cytogenetic location: 17p11.2.
Variant type: single nucleotide variant.
Coding change: c.5134-2A>G on transcript NM_016239.4 (MANE Select); the canonical splice acceptor site of the intron before coding-DNA position 5134, A replaced by G.
Molecular consequence: splice acceptor variant.
Genome position (GRCh38, 1-based): chr17:18,139,532, A>G. VCF-style: chr17-18139532-A-G. GRCh37 (hg19) VCF-style: chr17-18042846-A-G.
Identifiers: ClinVar variation 3370466 (VCV003370466.1).